The following is an entry in ClinVar:

ClinVar aggregate classification (germline): Uncertain significance (1 of 4 stars; one submission).

Conditions:
Cardiovascular phenotype. Identifiers: MedGen CN230736.

Allele frequency attached by ClinVar (database versions not stated): gnomAD exomes below 0.00001.
gnomAD v4.1: 1 of 1,613,882 alleles (0.000062%); highest among the groups gnomAD compares: Non-Finnish European, 0.000085%; no homozygotes.

Submission:

Ambry Genetics
Classification: Uncertain significance for Cardiovascular phenotype. Last evaluated: 2021-10-06. Review status: criteria provided, single submitter. Criteria: Ambry Variant Classification Scheme 2023. Collection method: clinical testing. Allele origin: germline.
Comment: The p.I122V variant (also known as c.364A>G), located in coding exon 3 of the LCAT gene, results from an A to G substitution at nucleotide position 364. The isoleucine at codon 122 is replaced by valine, an amino acid with highly similar properties. This amino acid position is conserved. In addition, this alteration is predicted to be tolerated by in silico analysis. Since supporting evidence is limited at this time, the clinical significance of this alteration remains unclear.

NM_000229.2(LCAT):c.364A>G (p.Ile122Val)

Gene: LCAT (lecithin-cholesterol acyltransferase; minus strand). Cytogenetic location: 16q22.1.
Variant type: single nucleotide variant.
Coding change: c.364A>G on transcript NM_000229.2 (MANE Select); coding-DNA position 364, A replaced by G.
Protein change: p.Ile122Val; replaces isoleucine 122 with valine.
Molecular consequence: missense variant.
Genome position (GRCh38, 1-based): chr16:67,942,924, T>C on the plus strand (A>G on the coding strand, the complement: LCAT is on the minus strand). VCF-style: chr16-67942924-T-C. GRCh37 (hg19) VCF-style: chr16-67976827-T-C.
Other names: short protein forms I122V.
Identifiers: ClinVar variation 1733579 (VCV001733579.2), dbSNP rs2151321143, ClinGen allele CA396380938.